The following is an entry in ClinVar:

ClinVar aggregate classification (germline): Uncertain significance. Review status: criteria provided, multiple submitters, no conflicts (2 of 4 stars). 2 submissions from 2 submitters: Uncertain significance (2). Last evaluated 2025-03-06.

Conditions:
Hereditary cancer-predisposing syndrome. Also called: Tumor predisposition; Hereditary neoplastic syndrome; Neoplastic Syndromes, Hereditary; Hereditary Cancer Syndrome. Identifiers: Orphanet 140162, MedGen C0027672, MeSH D009386, MONDO:0015356.
Familial adenomatous polyposis 1 (FAP1). Also called: FAMILIAL ADENOMATOUS POLYPOSIS 1, ATTENUATED; POLYPOSIS, ADENOMATOUS INTESTINAL. Identifiers: MedGen C2713442, MONDO:0021056, OMIM 175100. Disease mechanism: loss of function.

Submissions (2):

Ambry Genetics
Classification: Uncertain significance for Hereditary cancer-predisposing syndrome. Last evaluated: 2025-03-06. Review status: criteria provided, single submitter. Criteria: Ambry Variant Classification Scheme 2023. Collection method: clinical testing. Allele origin: germline.
Comment: The p.A2447V variant (also known as c.7340C>T), located in coding exon 15 of the APC gene, results from a C to T substitution at nucleotide position 7340. The alanine at codon 2447 is replaced by valine, an amino acid with similar properties. This amino acid position is well conserved in available vertebrate species. In addition, in silico predictors for this gene do not accurately predict pathogenicity. Missense alterations in APC are not a common cause of disease (Spier I et al. Genet Med. 2024 Feb;26(2):100992). Based on the available evidence, the clinical significance of this variant remains unclear.

Labcorp Genetics (formerly Invitae), Labcorp
Classification: Uncertain significance for Familial adenomatous polyposis 1. Last evaluated: 2022-04-15. Review status: criteria provided, single submitter. Criteria: Invitae Variant Classification Sherloc (09022015). Collection method: clinical testing. Allele origin: germline.
Comment: This sequence change replaces alanine, which is neutral and non-polar, with valine, which is neutral and non-polar, at codon 2447 of the APC protein (p.Ala2447Val). In summary, the available evidence is currently insufficient to determine the role of this variant in disease. Therefore, it has been classified as a Variant of Uncertain Significance. Algorithms developed to predict the effect of missense changes on protein structure and function are either unavailable or do not agree on the potential impact of this missense change (SIFT: "Tolerated"; PolyPhen-2: "Possibly Damaging"; Align-GVGD: "Class C25"). This variant has not been reported in the literature in individuals affected with APC-related conditions. This variant is not present in population databases (gnomAD no frequency).

NM_000038.6(APC):c.7340C>T (p.Ala2447Val)

Gene: APC (APC regulator of Wnt signaling pathway; plus strand). Cytogenetic location: 5q22.2.
Variant type: single nucleotide variant.
Coding change: c.7340C>T on transcript NM_000038.6 (MANE Select); coding-DNA position 7340, C replaced by T.
Protein change: p.Ala2447Val; replaces alanine 2447 with valine.
Molecular consequence: missense variant.
Genome position (GRCh38, 1-based): chr5:112,842,934, C>T. VCF-style: chr5-112842934-C-T. GRCh37 (hg19) VCF-style: chr5-112178631-C-T.
Other names: c.7340C>T (NM_000038.5); c.7340C>T, p.Ala2447Val (NM_001127510.3, NM_001354895.2, NM_001407450.1); c.7286C>T, p.Ala2429Val (NM_001127511.3); c.7394C>T, p.Ala2465Val (NM_001354896.2, NM_001407447.1, NM_001407448.1 and 1 more transcripts); c.7370C>T, p.Ala2457Val (NM_001354897.2); c.7265C>T, p.Ala2422Val (NM_001354898.2); c.7256C>T, p.Ala2419Val (NM_001354899.2); c.7217C>T, p.Ala2406Val (NM_001354900.2); and 12 more; short protein forms A2318V, A2406V, A2422V, A2437V, A2465V, A2164V, A2346V, A2388V.
Identifiers: ClinVar variation 1940551 (VCV001940551.6), dbSNP rs976372697, ClinGen allele CA16037319.